The following is an entry in ClinVar:

NM_001348768.2(HECW2):c.1072C>T (p.Pro358Ser)

Gene: HECW2 (HECT, C2 and WW domain containing E3 ubiquitin protein ligase 2; minus strand). Cytogenetic location: 2q32.3.
Variant type: single nucleotide variant.
Coding change: c.1072C>T on transcript NM_001348768.2 (MANE Select); coding-DNA position 1072, C replaced by T.
Protein change: p.Pro358Ser; replaces proline 358 with serine.
Molecular consequence: missense variant.
Genome position (GRCh38, 1-based): chr2:196,319,818, G>A on the plus strand (C>T on the coding strand, the complement: HECW2 is on the minus strand). VCF-style: chr2-196319818-G-A. GRCh37 (hg19) VCF-style: chr2-197184542-G-A.
Other names: c.4C>T, p.Pro2Ser (NM_001304840.3); c.1072C>T, p.Pro358Ser (NM_020760.4); short protein forms P2S, P358S.
Identifiers: ClinVar variation 870406 (VCV000870406.3), dbSNP rs1194444336, ClinGen allele CA349967193.

ClinVar aggregate classification (germline): Uncertain significance. Review status: criteria provided, multiple submitters, no conflicts (2 of 4 stars). 2 submissions from 2 submitters: Uncertain significance (2). Last evaluated 2025-05-27.

Conditions:
Neurodevelopmental disorder with hypotonia, seizures, and absent language (NDHSAL). Identifiers: MedGen C4310643, MONDO:0014995, OMIM 617268.
Inborn genetic diseases. Identifiers: MedGen C0950123, MeSH D030342.

Allele frequency attached by ClinVar (database versions not stated): gnomAD exomes below 0.00001; gnomAD 0.00001.
gnomAD v4.1: 4 of 1,614,046 alleles (0.00025%); highest among the groups gnomAD compares: African/African-American, 0.0027%; no homozygotes.

Submissions (2):

Ambry Genetics
Classification: Uncertain significance for Inborn genetic diseases. Last evaluated: 2025-05-27. Review status: criteria provided, single submitter. Criteria: Ambry Variant Classification Scheme 2023. Collection method: clinical testing. Allele origin: germline.

Victorian Clinical Genetics Services, Murdoch Childrens Research Institute
Classification: Uncertain significance for Neurodevelopmental disorder with hypotonia, seizures, and absent language. Last evaluated: 2018-09-13. Review status: criteria provided, single submitter. Criteria: ACMG Guidelines, 2015. Collection method: clinical testing. Allele origin: maternal. Affected: yes. Observed: 2 variant alleles.
Comment: A heterozygous missense variant, NM_020760.1(HECW2):c.1072C>T, has been identified in exon 9 of 29 of the HECW2 gene. The variant is predicted to result in an amino acid change from a proline to a serine at position 358 of the protein, NP_065811.1(HECW2):p.(Pro358Ser). The proline residue at this position has low conservation (100 vertebrates, UCSC), but is not located within a well established functional domain. In silico predictions of pathogenicity for this variant are conflicting (Polyphen, SIFT, CADD, Mutation Taster). The variant is present in the gnomAD database at a frequency of 0.0032% (1 heterozygote) (reduced allele count) . This variant has not been previously reported in clinical cases. Based on the information available at the time of curation, this variant has been classified as VARIANT of UNCERTAIN SIGNIFICANCE (VUS).